The following is an entry in ClinVar:

ClinVar aggregate classification (germline): Uncertain significance. Review status: criteria provided, multiple submitters, no conflicts (2 of 4 stars). 2 submissions from 2 submitters: Uncertain significance (2). Last evaluated 2024-12-11.

Allele frequency attached by ClinVar (database versions not stated): gnomAD 0.00001.
gnomAD v4.1: 1 of 1,614,030 alleles (0.000062%); highest among the groups gnomAD compares: African/African-American, 0.0013%; no homozygotes.

Submissions (2):

Ambry Genetics
Classification: Uncertain significance. Last evaluated: 2024-12-11. Review status: criteria provided, single submitter. Criteria: Ambry Variant Classification Scheme 2023. Collection method: clinical testing. Allele origin: germline.

Labcorp Genetics (formerly Invitae), Labcorp
Classification: Uncertain significance. Last evaluated: 2023-08-10. Review status: criteria provided, single submitter. Criteria: Invitae Variant Classification Sherloc (09022015). Collection method: clinical testing. Allele origin: germline.
Comment: ClinVar contains an entry for this variant (Variation ID: 2016708). This variant has not been reported in the literature in individuals affected with HMCN1-related conditions. This variant is not present in population databases (gnomAD no frequency). This sequence change replaces alanine, which is neutral and non-polar, with glycine, which is neutral and non-polar, at codon 4102 of the HMCN1 protein (p.Ala4102Gly). An algorithm developed to predict the effect of missense changes on protein structure and function (PolyPhen-2) suggests that this variant is likely to be disruptive. In summary, the available evidence is currently insufficient to determine the role of this variant in disease. Therefore, it has been classified as a Variant of Uncertain Significance.

NM_031935.3(HMCN1):c.12305C>G (p.Ala4102Gly)

Gene: HMCN1 (hemicentin 1; plus strand). Cytogenetic location: 1q31.1.
Variant type: single nucleotide variant.
Coding change: c.12305C>G on transcript NM_031935.3 (MANE Select); coding-DNA position 12305, C replaced by G.
Protein change: p.Ala4102Gly; replaces alanine 4102 with glycine.
Molecular consequence: missense variant.
Genome position (GRCh38, 1-based): chr1:186,123,026, C>G. VCF-style: chr1-186123026-C-G. GRCh37 (hg19) VCF-style: chr1-186092158-C-G.
Other names: c.12305C>G (NM_031935.2); short protein forms A4102G.
Identifiers: ClinVar variation 2016708 (VCV002016708.5), dbSNP rs1661469210, ClinGen allele CA343902991.
Genomic context (GRCh38, chr1:186,123,026, plus strand): 5'-GCCCTCATCTAAAGGAATATGTTATTGCTGTGGACAAGCCCATCACGTTATCCTGTGAAG[C>G]AGATGGCCTCCCTCCGCCTGACATTACATGGCATAAAGATGGGCGTGCAATTGTGGAATC-3'
Protein context (NP_114141.2, residues 4092-4112): VDKPITLSCE[Ala4102Gly]DGLPPPDITW